The following is an entry in ClinVar:

NM_000257.4(MYH7):c.746G>C (p.Arg249Pro)

Gene: MYH7 (myosin heavy chain 7; minus strand). Cytogenetic location: 14q11.2.
Variant type: single nucleotide variant.
Coding change: c.746G>C on transcript NM_000257.4 (MANE Select); coding-DNA position 746, G replaced by C.
Protein change: p.Arg249Pro; replaces arginine 249 with proline.
Molecular consequence: missense variant.
Genome position (GRCh38, 1-based): chr14:23,431,468, C>G on the plus strand (G>C on the coding strand, the complement: MYH7 is on the minus strand). VCF-style: chr14-23431468-C-G. GRCh37 (hg19) VCF-style: chr14-23900677-C-G.
Other names: c.746G>C, p.Arg249Pro (NM_001407004.1); short protein forms R249P.
Identifiers: ClinVar variation 2853260 (VCV002853260.3), dbSNP rs3218713, ClinGen allele CA389052135.

ClinVar aggregate classification (germline): Pathogenic (1 of 4 stars; one submission).

Conditions:
Hypertrophic cardiomyopathy. Also called: HYPERTROPHIC MYOCARDIOPATHY. Identifiers: Orphanet 217569, MedGen C0007194, MeSH D002312, MONDO:0005045, HP:0001639.

Submission:

Labcorp Genetics (formerly Invitae), Labcorp
Classification: Pathogenic for Hypertrophic cardiomyopathy. Last evaluated: 2025-06-11. Review status: criteria provided, single submitter. Criteria: Invitae Variant Classification Sherloc (09022015). Collection method: clinical testing. Allele origin: germline.
Comment: This sequence change replaces arginine, which is basic and polar, with proline, which is neutral and non-polar, at codon 249 of the MYH7 protein (p.Arg249Pro). This variant is not present in population databases (gnomAD no frequency). This missense change has been observed in individual(s) with hypertrophic cardiomyopathy (internal data). In at least one individual the variant was observed to be de novo. ClinVar contains an entry for this variant (Variation ID: 2853260). Invitae Evidence Modeling of protein sequence and biophysical properties (such as structural, functional, and spatial information, amino acid conservation, physicochemical variation, residue mobility, and thermodynamic stability) indicates that this missense variant is expected to disrupt MYH7 protein function with a positive predictive value of 95%. This variant disrupts the p.Arg249 amino acid residue in MYH7. Other variant(s) that disrupt this residue have been determined to be pathogenic (PMID: 1944483, 7662452, 9826622, 10065021). This suggests that this residue is clinically significant, and that variants that disrupt this residue are likely to be disease-causing. For these reasons, this variant has been classified as Pathogenic.

Literature cited by the submitters: PubMed 1944483; PubMed 7662452; PubMed 9826622; PubMed 10065021.